The following is an entry in ClinVar:

ClinVar aggregate classification (germline): Uncertain significance. Review status: criteria provided, multiple submitters, no conflicts (2 of 4 stars). 2 submissions from 2 submitters: Uncertain significance (2). Last evaluated 2025-08-01.

Conditions:
Inborn genetic diseases. Identifiers: MedGen C0950123, MeSH D030342.

Submissions (2):

Ambry Genetics
Classification: Uncertain significance for Inborn genetic diseases. Last evaluated: 2025-08-01. Review status: criteria provided, single submitter. Criteria: Ambry Variant Classification Scheme 2023. Collection method: clinical testing. Allele origin: germline.

Labcorp Genetics (formerly Invitae), Labcorp
Classification: Uncertain significance. Last evaluated: 2025-06-12. Review status: criteria provided, single submitter. Criteria: Invitae Variant Classification Sherloc (09022015). Collection method: clinical testing. Allele origin: germline.
Comment: This sequence change replaces arginine, which is basic and polar, with cysteine, which is neutral and slightly polar, at codon 503 of the PAX1 protein (p.Arg503Cys). The frequency data for this variant in the population databases is considered unreliable, as metrics indicate poor data quality at this position in the gnomAD database. This variant has not been reported in the literature in individuals affected with PAX1-related conditions. An algorithm developed to predict the effect of missense changes on protein structure and function (PolyPhen-2) suggests that this variant is likely to be disruptive. In summary, the available evidence is currently insufficient to determine the role of this variant in disease. Therefore, it has been classified as a Variant of Uncertain Significance.

NM_001257096.2(PAX1):c.*143C>T

Gene: PAX1 (paired box 1; plus strand). Cytogenetic location: 20p11.22.
Variant type: single nucleotide variant.
Coding change: c.*143C>T on transcript NM_001257096.2 (MANE Select); 143 bases downstream of the stop codon, C replaced by T.
Molecular consequence: 3 prime UTR variant. On other transcripts: missense variant (1).
Genome position (GRCh38, 1-based): chr20:21,714,705, C>T. VCF-style: chr20-21714705-C-T. GRCh37 (hg19) VCF-style: chr20-21695343-C-T.
Other names: c.1507C>T, p.Arg503Cys (NM_006192.5); short protein forms R503C.
Identifiers: ClinVar variation 4131370 (VCV004131370.2).